The following is an entry in ClinVar:

ClinVar aggregate classification (germline): Benign/Likely benign. Review status: criteria provided, multiple submitters, no conflicts (2 of 4 stars). 5 submissions from 5 submitters: Benign (2); Likely benign (2). 1 of the submissions does not count toward it. Last evaluated 2026-04-01.

Conditions:
AHDC1-related intellectual disability - obstructive sleep apnea - mild dysmorphism syndrome. Also called: Xia-Gibbs syndrome. Identifiers: Orphanet 412069, MedGen C4014419, MONDO:0014358, OMIM 615829.
AHDC1-related disorder. Also called: AHDC1-related condition.

Allele frequency attached by ClinVar (database versions not stated): ESP Exome Variant Server 0.00023; TOPMed 0.00025.
gnomAD v4.1: 167 of 1,602,776 alleles (0.01%); highest among the groups gnomAD compares: Admixed American, 0.047%; 1 homozygote.

Submissions (5):

CeGaT Center for Human Genetics Tuebingen
Classification: Likely benign. Last evaluated: 2026-04-01. Review status: criteria provided, single submitter. Criteria: CeGaT Center For Human Genetics Tuebingen Variant Classification Criteria Version 2. Collection method: clinical testing. Allele origin: germline. Affected: yes. Observed: 3 variant alleles.
Comment: AHDC1: BP4, BP7

Labcorp Genetics (formerly Invitae), Labcorp
Classification: Likely benign. Last evaluated: 2025-12-24. Review status: criteria provided, single submitter. Criteria: Invitae Variant Classification Sherloc (09022015). Collection method: clinical testing. Allele origin: germline.

Genome-Nilou Lab
Classification: Benign for AHDC1-related intellectual disability - obstructive sleep apnea - mild dysmorphism syndrome. Last evaluated: 2021-12-05. Review status: criteria provided, single submitter. Criteria: ACMG Guidelines, 2015. Collection method: clinical testing. Allele origin: germline. Affected: no.

GeneDx
Classification: Benign. Last evaluated: 2019-12-06. Review status: criteria provided, single submitter. Criteria: GeneDx Variant Classification Process June 2021. Collection method: clinical testing. Allele origin: germline. Affected: yes.

PreventionGenetics, part of Exact Sciences
Classification: Likely benign for AHDC1-related condition. Last evaluated: 2021-04-21. Review status: no assertion criteria provided. Collection method: clinical testing. Allele origin: germline. Not counted in ClinVar's aggregate classification.
Comment: This variant is classified as likely benign based on ACMG/AMP sequence variant interpretation guidelines (Richards et al. 2015 PMID: 25741868, with internal and published modifications).

NM_001371928.1(AHDC1):c.2850G>A (p.Pro950=)

Gene: AHDC1 (AT-hook DNA binding motif containing 1; minus strand). Cytogenetic location: 1p36.11.
Variant type: single nucleotide variant.
Coding change: c.2850G>A on transcript NM_001371928.1 (MANE Select); coding-DNA position 2850, G replaced by A.
Protein change: p.Pro950=; no amino-acid change (proline 950 retained).
Molecular consequence: synonymous variant.
Genome position (GRCh38, 1-based): chr1:27,549,266, C>T on the plus strand (G>A on the coding strand, the complement: AHDC1 is on the minus strand). VCF-style: chr1-27549266-C-T. GRCh37 (hg19) VCF-style: chr1-27875777-C-T.
Other names: c.2850G>A, p.Pro950= (NM_001029882.3); c.2850G>A (NM_001029882.2).
Identifiers: ClinVar variation 710593 (VCV000710593.37), dbSNP rs151218177, ClinGen allele CA715677.